The following is an entry in ClinVar:

NM_152703.5(SAMD9L):c.1759T>C (p.Tyr587His)

Gene: SAMD9L (sterile alpha motif domain containing 9 like; minus strand). Cytogenetic location: 7q21.2.
Variant type: single nucleotide variant.
Coding change: c.1759T>C on transcript NM_152703.5 (MANE Select); coding-DNA position 1759, T replaced by C.
Protein change: p.Tyr587His; replaces tyrosine 587 with histidine.
Molecular consequence: missense variant.
Genome position (GRCh38, 1-based): chr7:93,134,213, A>G on the plus strand (T>C on the coding strand, the complement: SAMD9L is on the minus strand). VCF-style: chr7-93134213-A-G. GRCh37 (hg19) VCF-style: chr7-92763526-A-G.
Other names: c.1759T>C, p.Tyr587His (NM_001303496.3, NM_001303497.3, NM_001303498.3 and 5 more transcripts); short protein forms Y587H.
Identifiers: ClinVar variation 3792319 (VCV003792319.1).

ClinVar aggregate classification (germline): Uncertain significance (1 of 4 stars; one submission).

Conditions:
Inborn genetic diseases. Identifiers: MedGen C0950123, MeSH D030342.

Submission:

Ambry Genetics
Classification: Uncertain significance for Inborn genetic diseases. Last evaluated: 2025-01-17. Review status: criteria provided, single submitter. Criteria: Ambry Variant Classification Scheme 2023. Collection method: clinical testing. Allele origin: germline.
Comment: The p.Y587H variant (also known as c.1759T>C), located in coding exon 1 of the SAMD9L gene, results from a T to C substitution at nucleotide position 1759. The tyrosine at codon 587 is replaced by histidine, an amino acid with similar properties. This amino acid position is conserved. In addition, this alteration is predicted to be tolerated by in silico analysis. Based on the available evidence, the clinical significance of this variant remains unclear.